The following is an entry in ClinVar:

NM_001267550.2(TTN):c.90716C>T (p.Ala30239Val)

Genes: TTN (titin; minus strand), TTN-AS1 (TTN antisense RNA 1; plus strand). Cytogenetic location: 2q31.2.
Variant type: single nucleotide variant.
Coding change: c.90716C>T on transcript NM_001267550.2 (MANE Select); coding-DNA position 90716, C replaced by T.
Protein change: p.Ala30239Val; replaces alanine 30239 with valine.
Molecular consequence: missense variant.
Genome position (GRCh38, 1-based): chr2:178,552,184, G>A on the plus strand (C>T on the coding strand, the complement: TTN is on the minus strand). VCF-style: chr2-178552184-G-A. GRCh37 (hg19) VCF-style: chr2-179416911-G-A.
Other names: c.85793C>T, p.Ala28598Val (NM_001256850.1); c.63521C>T, p.Ala21174Val (NM_003319.4); c.83012C>T, p.Ala27671Val (NM_133378.4); c.63896C>T, p.Ala21299Val (NM_133432.3); c.64097C>T, p.Ala21366Val (NM_133437.4); short protein forms A21174V, A21299V, A21366V, A27671V, A28598V, A30239V.
Identifiers: ClinVar variation 3384527 (VCV003384527.1).

ClinVar aggregate classification (germline): Uncertain significance (1 of 4 stars; one submission).

Submission:

GeneDx
Classification: Uncertain significance. Last evaluated: 2024-06-04. Review status: criteria provided, single submitter. Criteria: GeneDx Variant Classification Process June 2021. Collection method: clinical testing. Allele origin: germline. Affected: yes.
Comment: Not observed at significant frequency in large population cohorts (gnomAD); Missense variant in a gene in which most reported pathogenic variants are truncating/loss of function; Has not been previously published as pathogenic or benign to our knowledge